The following is an entry in ClinVar:

ClinVar aggregate classification (germline): Uncertain significance. Review status: criteria provided, multiple submitters, no conflicts (2 of 4 stars). 2 submissions from 2 submitters: Uncertain significance (2). Last evaluated 2025-02-25.

Allele frequency attached by ClinVar (database versions not stated): ExAC 0.00002; gnomAD exomes 0.00001 and below 0.00001; TOPMed below 0.00001.
gnomAD v4.1: 3 of 1,613,870 alleles (0.00019%); highest among the groups gnomAD compares: Admixed American, 0.0033%; no homozygotes.

Submissions (2):

Dasa
Classification: Uncertain significance. Last evaluated: 2025-02-25. Review status: criteria provided, single submitter. Criteria: DASA Assertion Criteria. Collection method: clinical testing. Allele origin: germline.
Comment: NM_004999.4(MYO6):c.1674+5G>A is a splice-region variant predicted to affect normal RNA splicing. This variant is rare in population databases. Computational prediction algorithms are consistent with a deleterious effect. The currently available literature and clinical evidence are not sufficient to establish a definitive association between this variant and the reported condition. Therefore, this variant is classified as a variant of uncertain significance.

Labcorp Genetics (formerly Invitae), Labcorp
Classification: Uncertain significance. Last evaluated: 2024-04-26. Review status: criteria provided, single submitter. Criteria: Invitae Variant Classification Sherloc (09022015). Collection method: clinical testing. Allele origin: germline.
Comment: This sequence change falls in intron 16 of the MYO6 gene. It does not directly change the encoded amino acid sequence of the MYO6 protein. It affects a nucleotide within the consensus splice site. This variant is present in population databases (rs761306925, gnomAD 0.006%). This variant has not been reported in the literature in individuals affected with MYO6-related conditions. ClinVar contains an entry for this variant (Variation ID: 1403657). Variants that disrupt the consensus splice site are a relatively common cause of aberrant splicing (PMID: 17576681, 9536098). Algorithms developed to predict the effect of sequence changes on RNA splicing suggest that this variant may disrupt the consensus splice site. In summary, the available evidence is currently insufficient to determine the role of this variant in disease. Therefore, it has been classified as a Variant of Uncertain Significance.

Literature cited by the submitters: PubMed 17576681 (cited by Labcorp Genetics (formerly Invitae), Labcorp); PubMed 9536098 (cited by Labcorp Genetics (formerly Invitae), Labcorp).

NM_004999.4(MYO6):c.1674+5G>A

Gene: MYO6 (myosin VI; plus strand). Cytogenetic location: 6q14.1.
Variant type: single nucleotide variant.
Coding change: c.1674+5G>A on transcript NM_004999.4 (MANE Select); 5 bases into the intron after coding-DNA position 1674, G replaced by A.
Molecular consequence: intron variant.
Genome position (GRCh38, 1-based): chr6:75,862,728, G>A. VCF-style: chr6-75862728-G-A. GRCh37 (hg19) VCF-style: chr6-76572445-G-A.
Other names: c.1674+5G>A (NM_001368865.1, NM_001368866.1, NM_001368137.1 and 2 more transcripts); c.1659+5G>A (NM_001368138.1).
Identifiers: ClinVar variation 1403657 (VCV001403657.8), dbSNP rs761306925, ClinGen allele CA3897174.